The following is an entry in ClinVar:

NM_023110.3(FGFR1):c.809G>A (p.Gly270Asp)

Gene: FGFR1 (fibroblast growth factor receptor 1; minus strand). Cytogenetic location: 8p11.23.
Variant type: single nucleotide variant.
Coding change: c.809G>A on transcript NM_023110.3 (MANE Select); coding-DNA position 809, G replaced by A.
Protein change: p.Gly270Asp; replaces glycine 270 with aspartic acid.
Molecular consequence: missense variant.
Genome position (GRCh38, 1-based): chr8:38,424,636, C>T on the plus strand (G>A on the coding strand, the complement: FGFR1 is on the minus strand). VCF-style: chr8-38424636-C-T. GRCh37 (hg19) VCF-style: chr8-38282154-C-T.
Other names: c.809G>A, p.Gly270Asp (NM_001174063.2); c.785G>A, p.Gly262Asp (NM_001174064.2); c.803G>A, p.Gly268Asp (NM_001174065.2, NM_001354367.2, NM_001354369.2 and 1 more transcripts); c.542G>A, p.Gly181Asp (NM_001174066.2, NM_023105.3); c.902G>A, p.Gly301Asp (NM_001174067.2); c.536G>A, p.Gly179Asp (NM_001354368.2, NM_001354370.2, NM_023106.3); short protein forms G179D, G181D, G262D, G268D, G270D, G301D.
Identifiers: ClinVar variation 1338542 (VCV001338542.6), dbSNP rs2150822504, ClinGen allele CA370735059.

ClinVar aggregate classification (germline): Likely pathogenic. Review status: criteria provided, multiple submitters, no conflicts (2 of 4 stars). 2 submissions from 2 submitters: Likely pathogenic (2). Last evaluated 2019-08-29.

Conditions:
Hypogonadotropic hypogonadism 2 with or without anosmia (HH2). Also called: HYPOGONADOTROPIC HYPOGONADISM 2 WITHOUT ANOSMIA; FGFR1-Related GnRH Deficiency (Kallmann Syndrome 2); HYPOGONADOTROPIC HYPOGONADISM 2 WITH OR WITHOUT ANOSMIA, SUSCEPTIBILITY TO; HYPOGONADOTROPIC HYPOGONADISM 2 WITHOUT ANOSMIA, SUSCEPTIBILITY TO. Identifiers: Orphanet 478, MedGen C1563720, MONDO:0007844, OMIM 147950. Disease mechanism: loss of function.
Jackson-Weiss syndrome (JWS). Also called: CRANIOSYNOSTOSIS, MIDFACIAL HYPOPLASIA, AND FOOT ABNORMALITIES. Identifiers: Orphanet 1540, MedGen C0795998, MONDO:0007400, OMIM 123150. Disease mechanism: loss of function.
Pfeiffer syndrome (ACS5). Also called: ACS V. Identifiers: Orphanet 710, MedGen C0220658, MONDO:0007043, OMIM 101600.
Hartsfield-Bixler-Demyer syndrome (HRTFDS). Also called: Holoprosencephaly, ectrodactyly, and bilateral cleft lip/palate; FGFR1-Related Hartsfield Syndrome; Hartsfield syndrome. Identifiers: Orphanet 2117, MedGen C1845146, MONDO:0014196, OMIM 615465. Disease mechanism: loss of function.
Encephalocraniocutaneous lipomatosis (ECCL). Identifiers: Orphanet 2396, MedGen C0406612, MONDO:0013074, OMIM 613001.
Trigonocephaly 1 (TRIGNO1). Identifiers: Orphanet 3366, MedGen C0432122, MONDO:0008603, OMIM 190440.
Osteoglophonic dysplasia (OGD). Also called: Osteoglophonic dwarfism. Identifiers: Orphanet 2645, MedGen C0432283, MONDO:0008150, OMIM 166250.

Submissions (2):

Genetic Services Laboratory, University of Chicago
Classification: Likely pathogenic. Last evaluated: 2019-08-29. Review status: criteria provided, single submitter. Criteria: ACMG Guidelines, 2015. Collection method: clinical testing. Allele origin: germline. Affected: yes.
Comment: DNA sequence analysis of the FGFR1 gene demonstrated a sequence change, c.809G>A, that results in an amino acid change, p.Gly270Asp. This sequence change has been identified in two patients with Kallmann syndrome, one of whom additionally had skeletal abnormalities (PMIDs: 17154279, 23154428). The p.Gly270Asp sequence change was shown to be a de novo change in one of these individuals (PMID: 23154428). The p. Gly270Asp change is absent from population databases (ExAC and gnomAD). The p.Gly270Asp change affects a highly conserved amino acid residue located in a domain of the FGFR1 protein that is known to be functional and where multiple other pathogenic sequence changes have been reported (PMIDs: 15605412, 16764984). In-silico pathogenicity prediction tools (SIFT, PolyPhen2, Align GVGD, REVEL) provide contradictory results for the p.Gly270Asp substitution. These collective evidences indicate that this sequence change is likely pathogenic; however, functional studies have not been performed to prove this conclusively.

Juno Genomics, Hangzhou Juno Genomics, Inc
Classification: Likely pathogenic for Encephalocraniocutaneous lipomatosis; Hartsfield-Bixler-Demyer syndrome; Hypogonadotropic hypogonadism 2 with or without anosmia; Jackson-Weiss syndrome; Osteoglophonic dysplasia; Pfeiffer syndrome; Trigonocephaly 1. Review status: criteria provided, single submitter. Criteria: ACMG Guidelines, 2015. Collection method: clinical testing. Allele origin: germline. Affected: yes.
Comment: Absent from controls (or at extremely low frequency if recessive) in Genome Aggregation Database, Exome Sequencing Project, 1000 Genomes Project, or Exome Aggregation Consortium.;The prevalence of the variant in affected individuals is significantly increased compared to the prevalence in controls.;Assumed de novo, but without confirmation of paternity and maternity.;Multiple lines of computational evidence support a deleterious effect on the gene or gene product (conservation, evolutionary, splicing impact, etc).;Patient's phenotype or family history is highly specific for a disease with a single genetic etiology.;Located in a mutational hot spot and/or critical and well-established functional domain (e.g. active site of an enzyme) without benign variation.